The following is an entry in ClinVar:

NM_001163809.2(WDR81):c.3557del (p.Thr1186fs)

Gene: WDR81 (WD repeat domain 81; plus strand). Cytogenetic location: 17p13.3.
Variant type: Deletion.
Coding change: c.3557del on transcript NM_001163809.2 (MANE Select); coding-DNA position 3557, one base deleted (C; older notation c.3557delC).
Protein change: p.Thr1186fs; shifts the reading frame from threonine 1186.
Molecular consequence: frameshift variant. On other transcripts: intron variant (2).
Genome position (GRCh38, 1-based): chr17:1,728,516, C deleted. VCF-style (leftmost placement, unchanged base first): chr17-1728515-AC-A. GRCh37 (hg19) VCF-style: chr17-1631809-AC-A.
Other names: c.404del, p.Thr135fs (NM_152348.4); c.59-1864del (NM_001163673.2); c.-14-1864del (NM_001163811.2); c.3557delC (NM_001163809.1); short protein forms T1186fs, T135fs.
Identifiers: ClinVar variation 423034 (VCV000423034.2), dbSNP rs1064796183, ClinGen allele CA16620341.

ClinVar aggregate classification (germline): Pathogenic (1 of 4 stars; one submission).

Submission:

GeneDx
Classification: Pathogenic. Last evaluated: 2017-01-05. Review status: criteria provided, single submitter. Criteria: GeneDx Variant Classification (06012015). Collection method: clinical testing. Allele origin: germline. Affected: yes.
Comment: The c.3557delC variant in the WDR81 gene has not been reported previously as a pathogenic variant nor as a benign variant, to our knowledge. The c.3557delC variant causes a frameshift starting with codon Threonine 1186, changes this amino acid to an Arginine residue, and creates a premature Stop codon at position 68 of the new reading frame, denoted p.Thr1186ArgfsX68. This variant is predicted to cause loss of normal protein function either through protein truncation or nonsense-mediated mRNA decay. The c.3557delC variant was not observed in approximately 6500 individuals of European and African American ancestry in the NHLBI Exome Sequencing Project, indicating it is not a common benign variant in these populations. Therefore, we interpret c.3557delC as a pathogenic variant.